The following is an entry in ClinVar:

NM_000094.4(COL7A1):c.8140C>A (p.Pro2714Thr)

Gene: COL7A1 (collagen type VII alpha 1 chain; minus strand). Cytogenetic location: 3p21.31.
Variant type: single nucleotide variant.
Coding change: c.8140C>A on transcript NM_000094.4 (MANE Select); coding-DNA position 8140, C replaced by A.
Protein change: p.Pro2714Thr; replaces proline 2714 with threonine.
Molecular consequence: missense variant.
Genome position (GRCh38, 1-based): chr3:48,566,993, G>T on the plus strand (C>A on the coding strand, the complement: COL7A1 is on the minus strand). VCF-style: chr3-48566993-G-T. GRCh37 (hg19) VCF-style: chr3-48604426-G-T.
Other names: short protein forms P2714T.
Identifiers: ClinVar variation 2007965 (VCV002007965.4), dbSNP rs377080229, ClinGen allele CA73972888.
Genomic context (GRCh38, chr3:48,566,993, plus strand): 5'-CTCTGGGACCAACACTGCCAGGTGGCCCTGGGGGACCAGCAGAGCCATCATTTCCACTGG[G>T]GCCTGGGAAGCCCCCAATTCCTGGGGTTCCCTGGGGAGATATAGGACAGAGTCAGTAATC-3'
Protein context (NP_000085.1, residues 2704-2724): GTPGIGGFPG[Pro2714Thr]SGNDGSAGPP

ClinVar aggregate classification (germline): Uncertain significance (1 of 4 stars; one submission).

Allele frequency attached by ClinVar (database versions not stated): TOPMed below 0.00001; ESP Exome Variant Server 0.00008.
gnomAD v4.1: 1 of 1,612,662 alleles (0.000062%); highest among the groups gnomAD compares: Non-Finnish European, 0.000085%; no homozygotes.

Submission:

Labcorp Genetics (formerly Invitae), Labcorp
Classification: Uncertain significance. Last evaluated: 2022-06-18. Review status: criteria provided, single submitter. Criteria: Invitae Variant Classification Sherloc (09022015). Collection method: clinical testing. Allele origin: germline.
Comment: In summary, the available evidence is currently insufficient to determine the role of this variant in disease. Therefore, it has been classified as a Variant of Uncertain Significance. Advanced modeling of protein sequence and biophysical properties (such as structural, functional, and spatial information, amino acid conservation, physicochemical variation, residue mobility, and thermodynamic stability) performed at Invitae indicates that this missense variant is not expected to disrupt COL7A1 protein function. This variant has not been reported in the literature in individuals affected with COL7A1-related conditions. This variant is not present in population databases (gnomAD no frequency). This sequence change replaces proline, which is neutral and non-polar, with threonine, which is neutral and polar, at codon 2714 of the COL7A1 protein (p.Pro2714Thr).